The following is an entry in ClinVar:

ClinVar aggregate classification (germline): Uncertain significance (1 of 4 stars; one submission).

Allele frequency attached by ClinVar (database versions not stated): gnomAD exomes below 0.00001; TOPMed 0.00002; gnomAD 0.00003.
gnomAD v4.1: 6 of 1,613,852 alleles (0.00037%); highest among the groups gnomAD compares: African/African-American, 0.0067%; no homozygotes.

Submission:

Labcorp Genetics (formerly Invitae), Labcorp
Classification: Uncertain significance. Last evaluated: 2024-01-02. Review status: criteria provided, single submitter. Criteria: Invitae Variant Classification Sherloc (09022015). Collection method: clinical testing. Allele origin: germline.
Comment: This sequence change falls in intron 5 of the MECOM gene. It does not directly change the encoded amino acid sequence of the MECOM protein. It affects a nucleotide within the consensus splice site. This variant is not present in population databases (gnomAD no frequency). This variant has not been reported in the literature in individuals affected with MECOM-related conditions. Variants that disrupt the consensus splice site are a relatively common cause of aberrant splicing (PMID: 17576681, 9536098). Algorithms developed to predict the effect of sequence changes on RNA splicing suggest that this variant is not likely to affect RNA splicing. In summary, the available evidence is currently insufficient to determine the role of this variant in disease. Therefore, it has been classified as a Variant of Uncertain Significance.

Literature cited by the submitters: PubMed 17576681; PubMed 9536098.

NM_004991.4(MECOM):c.978+5A>G

Gene: MECOM (MDS1 and EVI1 complex locus; minus strand). Cytogenetic location: 3q26.2.
Variant type: single nucleotide variant.
Coding change: c.978+5A>G on transcript NM_004991.4 (MANE Select); 5 bases into the intron after coding-DNA position 978, A replaced by G.
Molecular consequence: intron variant.
Genome position (GRCh38, 1-based): chr3:169,122,575, T>C on the plus strand (A>G on the coding strand, the complement: MECOM is on the minus strand). VCF-style: chr3-169122575-T-C. GRCh37 (hg19) VCF-style: chr3-168840363-T-C.
Other names: c.414+5A>G (NM_001205194.2, NM_001366474.2, NM_001164000.2 and 9 more transcripts); c.978+5A>G (NM_001366473.2, NM_001366466.2); c.606+5A>G (NM_001105077.4).
Identifiers: ClinVar variation 2870098 (VCV002870098.3), dbSNP rs1411109185, ClinGen allele CA902345193.